The following is an entry in ClinVar:

ClinVar aggregate classification (germline): Uncertain significance (1 of 4 stars; one submission).

Conditions:
Charcot-Marie-Tooth disease type 4A. Also called: Charcot-Marie-Tooth disease, demyelinating, autosomal recessive, type 4a. Identifiers: Orphanet 99948, MedGen C1859198, MONDO:0008961, OMIM 214400.

Submission:

Labcorp Genetics (formerly Invitae), Labcorp
Classification: Uncertain significance for Charcot-Marie-Tooth disease type 4A. Last evaluated: 2023-12-13. Review status: criteria provided, single submitter. Criteria: Invitae Variant Classification Sherloc (09022015). Collection method: clinical testing. Allele origin: germline.
Comment: This sequence change replaces asparagine, which is neutral and polar, with serine, which is neutral and polar, at codon 356 of the GDAP1 protein (p.Asn356Ser). This variant is not present in population databases (gnomAD no frequency). This variant has not been reported in the literature in individuals affected with GDAP1-related conditions. Algorithms developed to predict the effect of missense changes on protein structure and function output the following: SIFT: "Not Available"; PolyPhen-2: "Benign"; Align-GVGD: "Not Available". The serine amino acid residue is found in multiple mammalian species, which suggests that this missense change does not adversely affect protein function. In summary, the available evidence is currently insufficient to determine the role of this variant in disease. Therefore, it has been classified as a Variant of Uncertain Significance.

NM_018972.4(GDAP1):c.1067A>G (p.Asn356Ser)

Gene: GDAP1 (ganglioside induced differentiation associated protein 1; plus strand). Cytogenetic location: 8q21.11.
Variant type: single nucleotide variant.
Coding change: c.1067A>G on transcript NM_018972.4 (MANE Select); coding-DNA position 1067, A replaced by G.
Protein change: p.Asn356Ser; replaces asparagine 356 with serine.
Molecular consequence: missense variant. On other transcripts: intron variant (1).
Genome position (GRCh38, 1-based): chr8:74,364,357, A>G. VCF-style: chr8-74364357-A-G. GRCh37 (hg19) VCF-style: chr8-75276592-A-G.
Other names: c.863A>G, p.Asn288Ser (NM_001040875.4); c.740A>G, p.Asn247Ser (NM_001362929.2, NM_001362932.2); c.893A>G, p.Asn298Ser (NM_001362930.2); c.694+1304A>G (NM_001362931.2); short protein forms N247S, N288S, N298S, N356S.
Identifiers: ClinVar variation 2917916 (VCV002917916.3), dbSNP rs2536751388, ClinGen allele CA371550875.